The following is an entry in ClinVar:

ClinVar aggregate classification (germline): Uncertain significance (1 of 4 stars; one submission).

Conditions:
Hereditary attention deficit-hyperactivity disorder. Also called: HYPERACTIVITY OF CHILDHOOD. Identifiers: MedGen CN324066, MONDO:0100518, OMIM 143465.

Submission:

Juno Genomics, Hangzhou Juno Genomics, Inc
Classification: Uncertain significance for Hereditary attention deficit-hyperactivity disorder. Review status: criteria provided, single submitter. Criteria: ACMG Guidelines, 2015. Collection method: clinical testing. Allele origin: germline.
Comment: Absent from controls (or at extremely low frequency if recessive) in Genome Aggregation Database.

NM_000797.4(DRD4):c.939dup (p.Asp314fs)

Gene: DRD4 (dopamine receptor D4; plus strand). Cytogenetic location: 11p15.5.
Variant type: Duplication.
Coding change: c.939dup on transcript NM_000797.4 (MANE Select); coding-DNA position 939, one base duplicated (C; older notation c.939dupC).
Protein change: p.Asp314fs; shifts the reading frame from aspartic acid 314.
Molecular consequence: frameshift variant.
Genome position (GRCh38, 1-based): chr11:640,188, C duplicated; the last of 6 consecutive C bases (chr11:640,183-640,188); duplicating any one gives the same sequence. VCF-style (leftmost placement, unchanged base first): chr11-640182-T-TC. GRCh37 (hg19) VCF-style: chr11-640182-T-TC.
Other names: short protein forms D314fs.
Identifiers: ClinVar variation 5007889 (VCV005007889.2).
Genomic context (GRCh38, chr11:640,182, plus strand): 5'-CCCCGACTGTGCGCCCCCCGCGCCCGGCCTCCCCCCGGACCCCTGCGGCTCCAACTGTGC[T>TC]CCCCCCGACGCCGTCAGAGCCGCCGCGCTCCCACCCCAGACTCCACCGCAGACCCGCAGG-3'